The following is an entry in ClinVar:

ClinVar aggregate classification (germline): Pathogenic (1 of 4 stars; one submission).

Conditions:
Early-infantile DEE. Also called: Ohtahara syndrome; Early infantile epileptic encephalopathy with suppression bursts; Early infantile epileptic encephalopathy. Identifiers: Orphanet 1934, MedGen C0393706, MONDO:0800491.

Submission:

Labcorp Genetics (formerly Invitae), Labcorp
Classification: Pathogenic for Early-infantile DEE. Last evaluated: 2023-06-29. Review status: criteria provided, single submitter. Criteria: Invitae Variant Classification Sherloc (09022015). Collection method: clinical testing. Allele origin: germline.
Comment: This sequence change replaces phenylalanine, which is neutral and non-polar, with leucine, which is neutral and non-polar, at codon 1459 of the SCN8A protein (p.Phe1459Leu). This variant is not present in population databases (gnomAD no frequency). This missense change has been observed in individual(s) with SCN8A-related conditions (Invitae). In at least one individual the variant was observed to be de novo. Advanced modeling of protein sequence and biophysical properties (such as structural, functional, and spatial information, amino acid conservation, physicochemical variation, residue mobility, and thermodynamic stability) performed at Invitae indicates that this missense variant is expected to disrupt SCN8A protein function. For these reasons, this variant has been classified as Pathogenic.

NM_001330260.2(SCN8A):c.4377C>G (p.Phe1459Leu)

Gene: SCN8A (sodium voltage-gated channel alpha subunit 8; plus strand). Cytogenetic location: 12q13.13.
Variant type: single nucleotide variant.
Coding change: c.4377C>G on transcript NM_001330260.2 (MANE Select); coding-DNA position 4377, C replaced by G.
Protein change: p.Phe1459Leu; replaces phenylalanine 1459 with leucine.
Molecular consequence: missense variant.
Genome position (GRCh38, 1-based): chr12:51,789,376, C>G. VCF-style: chr12-51789376-C-G. GRCh37 (hg19) VCF-style: chr12-52183160-C-G.
Other names: c.4254C>G, p.Phe1418Leu (NM_001177984.3, NM_001369788.1); c.4377C>G, p.Phe1459Leu (NM_014191.4); short protein forms F1459L, F1418L.
Identifiers: ClinVar variation 2865484 (VCV002865484.3), dbSNP rs2540306984, ClinGen allele CA384908523.